The following is an entry in ClinVar:

NM_001363711.2(DUOX2):c.3255C>T (p.Gly1085=)

Gene: DUOX2 (dual oxidase 2; minus strand). Cytogenetic location: 15q21.1.
Variant type: single nucleotide variant.
Coding change: c.3255C>T on transcript NM_001363711.2 (MANE Select); coding-DNA position 3255, C replaced by T.
Protein change: p.Gly1085=; no amino-acid change (glycine 1085 retained).
Molecular consequence: synonymous variant.
Genome position (GRCh38, 1-based): chr15:45,099,822, G>A on the plus strand (C>T on the coding strand, the complement: DUOX2 is on the minus strand). VCF-style: chr15-45099822-G-A. GRCh37 (hg19) VCF-style: chr15-45392020-G-A.
Other names: c.3255C>T, p.Gly1085= (NM_014080.5).
Identifiers: ClinVar variation 1345207 (VCV001345207.5), dbSNP rs759378295, ClinGen allele CA490331281.
Genomic context (GRCh38, chr15:45,099,822, plus strand): 5'-GAGGTTGCGGCACATGGTGAGCAAGATATAAGAGAACATGAAGGAGACGCTGGCCGCCGT[G>A]CCTCGTGACAGGATGATGCCCACGAGGGTGGTCTGTGCAATGTCCGAGGGTGGCGAGGCA-3'
Protein context (NP_001350640.1, residues 1075-1095): TTLVGIILSR[Gly1085=]TAASVSFMFS

ClinVar aggregate classification (germline): Uncertain significance (1 of 4 stars; one submission).

gnomAD v4.1: 11 of 1,614,238 alleles (0.00068%); highest among the groups gnomAD compares: Non-Finnish European, 0.00085%; no homozygotes.

Submission:

Labcorp Genetics (formerly Invitae), Labcorp
Classification: Uncertain significance. Last evaluated: 2021-09-01. Review status: criteria provided, single submitter. Criteria: Invitae Variant Classification Sherloc (09022015). Collection method: clinical testing. Allele origin: germline.
Comment: This sequence change affects codon 1085 of the DUOX2 mRNA. It is a 'silent' change, meaning that it does not change the encoded amino acid sequence of the DUOX2 protein. This variant is not present in population databases (ExAC no frequency). This variant has not been reported in the literature in individuals affected with DUOX2-related conditions. Algorithms developed to predict the effect of sequence changes on RNA splicing suggest that this variant may create or strengthen a splice site. In summary, the available evidence is currently insufficient to determine the role of this variant in disease. Therefore, it has been classified as a Variant of Uncertain Significance.